The following is an entry in ClinVar:

ClinVar aggregate classification (germline): Uncertain significance (1 of 4 stars; one submission).

Conditions:
Inborn genetic diseases. Identifiers: MedGen C0950123, MeSH D030342.

gnomAD v4.1: 25 of 1,613,988 alleles (0.0015%); highest among the groups gnomAD compares: East Asian, 0.0022%; no homozygotes.

Submission:

Ambry Genetics
Classification: Uncertain significance for Inborn genetic diseases. Last evaluated: 2025-05-24. Review status: criteria provided, single submitter. Criteria: Ambry Variant Classification Scheme 2023. Collection method: clinical testing. Allele origin: germline.
Comment: The p.S781G variant (also known as c.2341A>G), located in coding exon 13 of the F5 gene, results from an A to G substitution at nucleotide position 2341. The serine at codon 781 is replaced by glycine, an amino acid with similar properties. This amino acid position is conserved. In addition, this alteration is predicted to be tolerated by in silico analysis. Based on the available evidence, the clinical significance of this variant remains unclear.

NM_000130.5(F5):c.2341A>G (p.Ser781Gly)

Gene: F5 (coagulation factor V; minus strand). Cytogenetic location: 1q24.2.
Variant type: single nucleotide variant.
Coding change: c.2341A>G on transcript NM_000130.5 (MANE Select); coding-DNA position 2341, A replaced by G.
Protein change: p.Ser781Gly; replaces serine 781 with glycine.
Molecular consequence: missense variant.
Genome position (GRCh38, 1-based): chr1:169,542,749, T>C on the plus strand (A>G on the coding strand, the complement: F5 is on the minus strand). VCF-style: chr1-169542749-T-C. GRCh37 (hg19) VCF-style: chr1-169511987-T-C.
Other names: short protein forms S781G.
Identifiers: ClinVar variation 3847046 (VCV003847046.2).